The following is an entry in ClinVar:

NM_001349999.2(RBFOX2):c.438del (p.Ser147fs)

Gene: RBFOX2 (RNA binding fox-1 homolog 2; minus strand). Cytogenetic location: 22q12.3.
Variant type: Deletion.
Coding change: c.438del on transcript NM_001349999.2 (MANE Select); coding-DNA position 438, one base deleted (C; older notation c.438delC).
Protein change: p.Ser147fs; shifts the reading frame from serine 147.
Molecular consequence: frameshift variant.
Genome position (GRCh38, 1-based): chr22:35,809,804, G deleted on the plus strand (C on the coding strand, the reverse complement: RBFOX2 is on the minus strand); the first of 3 consecutive G bases (chr22:35,809,804-35,809,806); deleting any one gives the same sequence. VCF-style (leftmost placement, unchanged base first): chr22-35809803-TG-T. GRCh37 (hg19) VCF-style: chr22-36205850-TG-T.
Other names: c.228del, p.Ser77fs (NM_001031695.4, NM_001082576.3, NM_001082577.3 and 4 more transcripts); c.438del, p.Ser147fs (NM_001082578.4, NM_001082579.3, NM_001394108.1 and 7 more transcripts); c.294del, p.Ser99fs (NM_001349982.2, NM_001349989.2, NM_001349990.2 and 5 more transcripts); short protein forms S77fs, S99fs, S147fs.
Identifiers: ClinVar variation 4999106 (VCV004999106.1).

ClinVar aggregate classification (germline): Uncertain significance (1 of 4 stars; one submission).

Conditions:
RBFOX2-related condition.

Submission:

PreventionGenetics, part of Exact Sciences
Classification: Uncertain significance for RBFOX2-related condition. Last evaluated: 2025-05-09. Review status: criteria provided, single submitter. Criteria: ACMG Guidelines, 2015. Collection method: clinical testing. Allele origin: germline.
Comment: The RBFOX2 c.438delC variant is predicted to result in a frameshift and premature protein termination (p.Ser147Alafs*63). To our knowledge, this variant has not been reported in the literature or in a large population database (gnomAD), indicating this variant is rare. At this time, the clinical significance of this variant is uncertain due to the absence of conclusive functional and genetic evidence.